The following is an entry in ClinVar:

NM_000557.5(GDF5):c.404del (p.Pro135fs)

Gene: GDF5 (growth differentiation factor 5; minus strand). Cytogenetic location: 20q11.22.
Variant type: Deletion.
Coding change: c.404del on transcript NM_000557.5 (MANE Select); coding-DNA position 404, one base deleted (C; older notation c.404delC).
Protein change: p.Pro135fs; shifts the reading frame from proline 135.
Molecular consequence: frameshift variant.
Genome position (GRCh38, 1-based): chr20:35,437,525, G deleted on the plus strand (C on the coding strand, the reverse complement: GDF5 is on the minus strand); the first of 5 consecutive G bases (chr20:35,437,525-35,437,529); deleting any one gives the same sequence. VCF-style (leftmost placement, unchanged base first): chr20-35437524-TG-T. GRCh37 (hg19) VCF-style: chr20-34025304-TG-T.
Other names: c.404del, p.Pro135fs (NM_001319138.2); short protein forms P135fs.
Identifiers: ClinVar variation 992498 (VCV000992498.2), dbSNP rs2146582931, ClinGen allele CA2499225738.

ClinVar aggregate classification (germline): Pathogenic (0 of 4 stars; one submission).

Conditions:
Grebe syndrome. Also called: GREBE DYSPLASIA; ACROMESOMELIC DYSPLASIA, GREBE TYPE; ACROMESOMELIC DYSPLASIA 2A. Identifiers: Orphanet 2098, MedGen C0265260, MONDO:0008703, OMIM 200700.

Submission:

Human Molecular Genetics and Metabolic Disorders, Pakistan Institute for Engineering and Applied Science (PIEAS)
Classification: Pathogenic for Grebe syndrome. Last evaluated: 2020-09-09. Review status: no assertion criteria provided. Collection method: research. Allele origin: germline. Inheritance: Autosomal recessive inheritance. Affected: yes. Observed: 33 variant alleles, 29 heterozygotes, 4 homozygotes.
Comment: In this study, we report a GDF5 frameshift mutation (c.404delC) segregating over six generations in an extended consanguineous family. The family confirmed that both GTC and BDC are part of the GDF5 mutational spectrum, with severe GTC associated with homozygosity, and with a wide phenotypic variability among heterozygous carriers, ranging from unaffected non-penetrant carriers, to classical BDC and to novel unclassified types of brachydactylies.